The following is an entry in ClinVar:

NM_000085.5(CLCNKB):c.1375A>C (p.Asn459His)

Genes: CLCNKB (chloride voltage-gated channel Kb; plus strand), LOC106501713 (CLCNKB recombination region; plus strand). Cytogenetic location: 1p36.13.
Variant type: single nucleotide variant.
Coding change: c.1375A>C on transcript NM_000085.5 (MANE Select); coding-DNA position 1375, A replaced by C.
Protein change: p.Asn459His; replaces asparagine 459 with histidine.
Molecular consequence: missense variant.
Genome position (GRCh38, 1-based): chr1:16,051,787, A>C. VCF-style: chr1-16051787-A-C. GRCh37 (hg19) VCF-style: chr1-16378282-A-C.
Other names: c.868A>C, p.Asn290His (NM_001165945.2); short protein forms N459H, N290H.
Identifiers: ClinVar variation 585701 (VCV000585701.14), dbSNP rs765895186, ClinGen allele CA623827.
Genomic context (GRCh38, chr1:16,051,787, plus strand): 5'-CTCTTTGGGGAGACTCTCTCTTTTATCTTCCCTGAGGGCATCGTGGCTGGAGGGATCACC[A>C]ATCCCATCATGCCAGGGGGGTATGCTCTGGCAGGTGAGTGGGTCAGGGGCCTGCTGCGTG-3'
Protein context (NP_000076.2, residues 449-469): PEGIVAGGIT[Asn459His]PIMPGGYALA

ClinVar aggregate classification (germline): Uncertain significance. Review status: criteria provided, multiple submitters, no conflicts (2 of 4 stars). 6 submissions from 6 submitters: Uncertain significance (6). Last evaluated 2025-05-28.

Conditions:
Inborn genetic diseases. Identifiers: MedGen C0950123, MeSH D030342.
Bartter disease type 3. Also called: Bartter syndrome type 3. Identifiers: Orphanet 112, Orphanet 93605, MedGen C1846343, MONDO:0011822, OMIM 607364.
Bartter disease type 4B. Also called: BARTTER SYNDROME, TYPE 4B; Bartter syndrome, type 4b, digenic; BARTTER SYNDROME, TYPE 4B, NEONATAL, WITH SENSORINEURAL DEAFNESS. Identifiers: Orphanet 112, MedGen C4310805, MONDO:0000909, OMIM 613090.

Allele frequency attached by ClinVar (database versions not stated): TOPMed 0.00007; gnomAD exomes 0.00008 and 0.00010; ExAC 0.00009; gnomAD 0.00011 and 0.00012.
gnomAD v4.1: 159 of 1,613,678 alleles (0.0099%); highest among the groups gnomAD compares: Non-Finnish European, 0.012%; no homozygotes.

Submissions (6):

Women's Health and Genetics/Laboratory Corporation of America, LabCorp
Classification: Uncertain significance. Last evaluated: 2025-05-28. Review status: criteria provided, single submitter. Criteria: LabCorp Variant Classification Summary - May 2015. Collection method: clinical testing. Allele origin: germline.
Comment: Variant summary: CLCNKB c.1375A>C (p.Asn459His) results in a conservative amino acid change in the encoded protein sequence. Algorithms developed to predict the effect of missense changes on protein structure and function are either unavailable or do not agree on the potential impact of this missense change. The variant allele was found at a frequency of 8e-05 in 250662 control chromosomes. This frequency is not significantly higher than estimated for a pathogenic variant in CLCNKB causing Bartter Syndrome, Type 3 (8e-05 vs 0.0011), allowing no conclusion about variant significance. To our knowledge, no occurrence of c.1375A>C in individuals affected with Bartter Syndrome, Type 3 and no experimental evidence demonstrating its impact on protein function have been reported. ClinVar contains an entry for this variant (Variation ID: 585701). Based on the evidence outlined above, the variant was classified as uncertain significance.

Ambry Genetics
Classification: Uncertain significance for Inborn genetic diseases. Last evaluated: 2025-04-04. Review status: criteria provided, single submitter. Criteria: Ambry Variant Classification Scheme 2023. Collection method: clinical testing. Allele origin: germline.

Revvity Omics, Revvity
Classification: Uncertain significance. Last evaluated: 2025-02-06. Review status: criteria provided, single submitter. Criteria: ACMG Guidelines, 2015. Collection method: clinical testing. Allele origin: germline.

Labcorp Genetics (formerly Invitae), Labcorp
Classification: Uncertain significance. Last evaluated: 2024-12-03. Review status: criteria provided, single submitter. Criteria: Invitae Variant Classification Sherloc (09022015). Collection method: clinical testing. Allele origin: germline.
Comment: This sequence change replaces asparagine, which is neutral and polar, with histidine, which is basic and polar, at codon 459 of the CLCNKB protein (p.Asn459His). This variant is present in population databases (rs765895186, gnomAD 0.02%). This variant has not been reported in the literature in individuals affected with CLCNKB-related conditions. ClinVar contains an entry for this variant (Variation ID: 585701). Invitae Evidence Modeling of protein sequence and biophysical properties (such as structural, functional, and spatial information, amino acid conservation, physicochemical variation, residue mobility, and thermodynamic stability) indicates that this missense variant is not expected to disrupt CLCNKB protein function with a negative predictive value of 80%. In summary, the available evidence is currently insufficient to determine the role of this variant in disease. Therefore, it has been classified as a Variant of Uncertain Significance.

Fulgent Genetics
Classification: Uncertain significance for Bartter disease type 3; Bartter disease type 4B. Last evaluated: 2024-04-05. Review status: criteria provided, single submitter. Criteria: ACMG Guidelines, 2015. Collection method: clinical testing. Allele origin: germline.

Athena Diagnostics
Classification: Uncertain significance. Last evaluated: 2018-05-08. Review status: criteria provided, single submitter. Criteria: Athena Diagnostics Criteria. Collection method: clinical testing. Allele origin: germline.